The following is an entry in ClinVar:

ClinVar aggregate classification (germline): Uncertain significance (1 of 4 stars; one submission).

Allele frequency attached by ClinVar (database versions not stated): gnomAD exomes below 0.00001.
gnomAD v4.1: 4 of 1,613,266 alleles (0.00025%); highest among the groups gnomAD compares: South Asian, 0.0011%; no homozygotes.

Submission:

Labcorp Genetics (formerly Invitae), Labcorp
Classification: Uncertain significance. Last evaluated: 2022-11-14. Review status: criteria provided, single submitter. Criteria: Invitae Variant Classification Sherloc (09022015). Collection method: clinical testing. Allele origin: germline.
Comment: In summary, the available evidence is currently insufficient to determine the role of this variant in disease. Therefore, it has been classified as a Variant of Uncertain Significance. This variant has not been reported in the literature in individuals affected with ZCCHC8-related conditions. This variant is not present in population databases (gnomAD no frequency). This sequence change creates a premature translational stop signal (p.Arg72*) in the ZCCHC8 gene. It is expected to result in an absent or disrupted protein product. However, the current clinical and genetic evidence is not sufficient to establish whether loss-of-function variants in ZCCHC8 cause disease.

NM_017612.5(ZCCHC8):c.214C>T (p.Arg72Ter)

Gene: ZCCHC8 (zinc finger CCHC-type containing 8; minus strand). Cytogenetic location: 12q24.31.
Variant type: single nucleotide variant.
Coding change: c.214C>T on transcript NM_017612.5 (MANE Select); coding-DNA position 214, C replaced by T.
Protein change: p.Arg72Ter; replaces arginine 72 with a stop codon.
Molecular consequence: nonsense. On other transcripts: 5 prime UTR variant (2), intron variant (1).
Genome position (GRCh38, 1-based): chr12:122,498,855, G>A on the plus strand (C>T on the coding strand, the complement: ZCCHC8 is on the minus strand). VCF-style: chr12-122498855-G-A. GRCh37 (hg19) VCF-style: chr12-122983402-G-A.
Other names: c.214C>T, p.Arg72Ter (NM_001350935.2); c.-331C>T (NM_001350937.2); c.-225C>T (NM_001350938.2); c.-56+1118C>T (NM_001350936.2); short protein forms R72*.
Identifiers: ClinVar variation 2992189 (VCV002992189.3), dbSNP rs2547220491, ClinGen allele CA482210363.